The following is an entry in ClinVar:

ClinVar aggregate classification (germline): Uncertain significance. Review status: criteria provided, multiple submitters, no conflicts (2 of 4 stars). 2 submissions from 2 submitters: Uncertain significance (2). Last evaluated 2025-11-13.

Conditions:
Fanconi anemia complementation group O. Also called: RAD51C-Related Fanconi Anemia. Identifiers: Orphanet 84, MedGen C3150653, MONDO:0013248, OMIM 613390.
Hereditary cancer-predisposing syndrome. Also called: Neoplastic Syndromes, Hereditary; Hereditary Cancer Syndrome; Hereditary neoplastic syndrome; Tumor predisposition. Identifiers: Orphanet 140162, MedGen C0027672, MeSH D009386, MONDO:0015356.

Submissions (2):

Ambry Genetics
Classification: Uncertain significance for Hereditary cancer-predisposing syndrome. Last evaluated: 2025-11-13. Review status: criteria provided, single submitter. Criteria: Ambry Variant Classification Scheme 2023. Collection method: clinical testing. Allele origin: germline.
Comment: The p.A273P variant (also known as c.817G>C), located in coding exon 5 of the RAD51C gene, results from a G to C substitution at nucleotide position 817. The alanine at codon 273 is replaced by proline, an amino acid with highly similar properties. This amino acid position is highly conserved in available vertebrate species. In addition, this alteration is predicted to be deleterious by in silico analysis. Since supporting evidence is limited at this time, the clinical significance of this alteration remains unclear.

Labcorp Genetics (formerly Invitae), Labcorp
Classification: Uncertain significance for Fanconi anemia complementation group O. Last evaluated: 2019-09-08. Review status: criteria provided, single submitter. Criteria: Invitae Variant Classification Sherloc (09022015). Collection method: clinical testing. Allele origin: germline.
Comment: In summary, the available evidence is currently insufficient to determine the role of this variant in disease. Therefore, it has been classified as a Variant of Uncertain Significance. Algorithms developed to predict the effect of missense changes on protein structure and function are either unavailable or do not agree on the potential impact of this missense change (SIFT: "Deleterious"; PolyPhen-2: "Probably Damaging"; Align-GVGD: "Class C0"). This variant has not been reported in the literature in individuals with RAD51C-related conditions. This variant is not present in population databases (ExAC no frequency). This sequence change replaces alanine with proline at codon 273 of the RAD51C protein (p.Ala273Pro). The alanine residue is highly conserved and there is a small physicochemical difference between alanine and proline.

NM_058216.3(RAD51C):c.817G>C (p.Ala273Pro)

Gene: RAD51C (RAD51 paralog C; plus strand). Cytogenetic location: 17q22.
Variant type: single nucleotide variant.
Coding change: c.817G>C on transcript NM_058216.3 (MANE Select); coding-DNA position 817, G replaced by C.
Protein change: p.Ala273Pro; replaces alanine 273 with proline.
Molecular consequence: missense variant. On other transcripts: non-coding transcript variant (1).
Genome position (GRCh38, 1-based): chr17:58,709,970, G>C. VCF-style: chr17-58709970-G-C. GRCh37 (hg19) VCF-style: chr17-56787331-G-C.
Other names: short protein forms A273P.
Identifiers: ClinVar variation 827493 (VCV000827493.15), dbSNP rs1598484818, ClinGen allele CA400354313.